The following is an entry in ClinVar:

ClinVar aggregate classification (germline): Uncertain significance (1 of 4 stars; one submission).

Conditions:
Familial focal epilepsy with variable foci (FPEVF). Identifiers: Orphanet 98820, MedGen C1858477, MONDO:0020310.

Submission:

Labcorp Genetics (formerly Invitae), Labcorp
Classification: Uncertain significance for Familial focal epilepsy with variable foci. Last evaluated: 2023-12-19. Review status: criteria provided, single submitter. Criteria: Invitae Variant Classification Sherloc (09022015). Collection method: clinical testing. Allele origin: germline.
Comment: This sequence change replaces lysine, which is basic and polar, with glutamic acid, which is acidic and polar, at codon 59 of the DEPDC5 protein (p.Lys59Glu). This variant is not present in population databases (gnomAD no frequency). This variant has not been reported in the literature in individuals affected with DEPDC5-related conditions. Experimental studies and prediction algorithms are not available or were not evaluated, and the functional significance of this variant is currently unknown. In summary, the available evidence is currently insufficient to determine the role of this variant in disease. Therefore, it has been classified as a Variant of Uncertain Significance.

NM_001242896.3(DEPDC5):c.175A>G (p.Lys59Glu)

Gene: DEPDC5 (DEP domain containing 5, GATOR1 subcomplex subunit; plus strand). Cytogenetic location: 22q12.2.
Variant type: single nucleotide variant.
Coding change: c.175A>G on transcript NM_001242896.3 (MANE Select); coding-DNA position 175, A replaced by G.
Protein change: p.Lys59Glu; replaces lysine 59 with glutamic acid.
Molecular consequence: missense variant. On other transcripts: non-coding transcript variant (5).
Genome position (GRCh38, 1-based): chr22:31,760,684, A>G. VCF-style: chr22-31760684-A-G. GRCh37 (hg19) VCF-style: chr22-32156670-A-G.
Other names: c.175A>G, p.Lys59Glu (NM_001007188.4, NM_001136029.4, NM_001242897.2 and 9 more transcripts); short protein forms K59E.
Identifiers: ClinVar variation 2704082 (VCV002704082.3), dbSNP rs2517797057, ClinGen allele CA411279646.